The following is an entry in ClinVar:

ClinVar aggregate classification (germline): Pathogenic (1 of 4 stars; one submission).

Conditions:
Leukocyte adhesion deficiency 1 (LAD1). Also called: LEUKOCYTE ADHESION DEFICIENCY, TYPE I; LAD 1; Lymphocyte function-associated antigen 1 immunodeficiency; LFA 1 immunodeficiency. Identifiers: Orphanet 2968, Orphanet 99842, MedGen C0398738, MONDO:0007293, OMIM 116920.

gnomAD v4.1: 4 of 1,613,392 alleles (0.00025%); highest among the groups gnomAD compares: Non-Finnish European, 0.00034%; no homozygotes.

Submission:

Labcorp Genetics (formerly Invitae), Labcorp
Classification: Pathogenic for Leukocyte adhesion deficiency 1. Last evaluated: 2023-12-18. Review status: criteria provided, single submitter. Criteria: Invitae Variant Classification Sherloc (09022015). Collection method: clinical testing. Allele origin: germline.
Comment: This sequence change creates a premature translational stop signal (p.Gln491*) in the ITGB2 gene. It is expected to result in an absent or disrupted protein product. Loss-of-function variants in ITGB2 are known to be pathogenic (PMID: 22134107, 25703682). This variant is not present in population databases (gnomAD no frequency). This variant has not been reported in the literature in individuals affected with ITGB2-related conditions. For these reasons, this variant has been classified as Pathogenic.

Literature cited by the submitters: PubMed 22134107; PubMed 25703682.

NM_000211.5(ITGB2):c.1471C>T (p.Gln491Ter)

Gene: ITGB2 (integrin subunit beta 2; minus strand). Cytogenetic location: 21q22.3.
Variant type: single nucleotide variant.
Coding change: c.1471C>T on transcript NM_000211.5 (MANE Select); coding-DNA position 1471, C replaced by T.
Protein change: p.Gln491Ter; replaces glutamine 491 with a stop codon.
Molecular consequence: nonsense.
Genome position (GRCh38, 1-based): chr21:44,890,164, G>A on the plus strand (C>T on the coding strand, the complement: ITGB2 is on the minus strand). VCF-style: chr21-44890164-G-A. GRCh37 (hg19) VCF-style: chr21-46310079-G-A.
Other names: c.1471C>T, p.Gln491Ter (NM_001127491.3); c.1264C>T, p.Gln422Ter (NM_001303238.2); short protein forms Q491*, Q422*.
Identifiers: ClinVar variation 2982971 (VCV002982971.3), dbSNP rs767284889, ClinGen allele CA410484703.